The following is an entry in ClinVar:

ClinVar aggregate classification (germline): Uncertain significance (1 of 4 stars; one submission).

Submission:

CeGaT Center for Human Genetics Tuebingen
Classification: Uncertain significance. Last evaluated: 2024-06-01. Review status: criteria provided, single submitter. Criteria: CeGaT Center For Human Genetics Tuebingen Variant Classification Criteria Version 2. Collection method: clinical testing. Allele origin: germline. Affected: yes. Observed: 1 variant allele.
Comment: ATM: PM2, BP4

NM_000051.4(ATM):c.3005G>A (p.Gly1002Asp)

Gene: ATM (ATM serine/threonine kinase; plus strand). Cytogenetic location: 11q22.3.
Variant type: single nucleotide variant.
Coding change: c.3005G>A on transcript NM_000051.4 (MANE Select); coding-DNA position 3005, G replaced by A.
Protein change: p.Gly1002Asp; replaces glycine 1002 with aspartic acid.
Molecular consequence: missense variant.
Genome position (GRCh38, 1-based): chr11:108,271,334, G>A. VCF-style: chr11-108271334-G-A. GRCh37 (hg19) VCF-style: chr11-108142061-G-A.
Other names: c.3005G>A, p.Gly1002Asp (NM_001351834.2); short protein forms G1002D.
Identifiers: ClinVar variation 3251116 (VCV003251116.18), dbSNP rs2135553315.